The following is an entry in ClinVar:

NM_001323289.2(CDKL5):c.968T>A (p.Leu323Ter)

Gene: CDKL5 (cyclin dependent kinase like 5; plus strand). Cytogenetic location: Xp22.13.
Variant type: single nucleotide variant.
Coding change: c.968T>A on transcript NM_001323289.2 (MANE Select); coding-DNA position 968, T replaced by A.
Protein change: p.Leu323Ter; replaces leucine 323 with a stop codon.
Molecular consequence: nonsense.
Genome position (GRCh38, 1-based): chrX:18,598,604, T>A. VCF-style: chrX-18598604-T-A. GRCh37 (hg19) VCF-style: chrX-18616724-T-A.
Other names: c.968T>A, p.Leu323Ter (NM_001037343.2, NM_003159.3); short protein forms L323*.
Identifiers: ClinVar variation 2134748 (VCV002134748.5), dbSNP rs2518868022, ClinGen allele CA412356496.
Genomic context (GRCh38, chrX:18,598,604, plus strand): 5'-TGGATCGTTCTCCTTCAAGGTCAGCAAAAAGAAAACCTTACCATGTGGAAAGCAGCACAT[T>A]GTCTAATAGGTAAATATTCCCTTTTAAGGAAATACAGATGCAGTGTTGGTCTTACAAGTA-3'

ClinVar aggregate classification (germline): Pathogenic. Review status: criteria provided, multiple submitters, no conflicts (2 of 4 stars). 2 submissions from 2 submitters: Pathogenic (2). Last evaluated 2023-03-02.

Conditions:
Developmental and epileptic encephalopathy, 2 (DEE2). Also called: INFANTILE SPASM SYNDROME, X-LINKED 2; CDKL5 deficiency disorder. Identifiers: Orphanet 1934, Orphanet 3451, Orphanet 505652, MedGen C4750718, MONDO:0010396, OMIM 300672.
Angelman syndrome-like. Identifiers: MedGen CN128785.

Submissions (2):

Institute of Human Genetics Munich, TUM University Hospital
Classification: Pathogenic for Developmental and epileptic encephalopathy, 2. Last evaluated: 2023-03-02. Review status: criteria provided, single submitter. Criteria: Classification criteria August 2017. Collection method: clinical testing. Allele origin: de novo. Inheritance: X-linked inheritance. Affected: yes. Observed: 1 variant allele.

Labcorp Genetics (formerly Invitae), Labcorp
Classification: Pathogenic for Developmental and epileptic encephalopathy, 2; Angelman syndrome-like. Last evaluated: 2022-05-06. Review status: criteria provided, single submitter. Criteria: Invitae Variant Classification Sherloc (09022015). Collection method: clinical testing. Allele origin: germline.
Comment: For these reasons, this variant has been classified as Pathogenic. This variant has not been reported in the literature in individuals affected with CDKL5-related conditions. This variant is not present in population databases (gnomAD no frequency). This sequence change creates a premature translational stop signal (p.Leu323*) in the CDKL5 gene. It is expected to result in an absent or disrupted protein product. Loss-of-function variants in CDKL5 are known to be pathogenic (PMID: 22872100).

Literature cited by the submitters: PubMed 22872100 (cited by Labcorp Genetics (formerly Invitae), Labcorp).